The following is an entry in ClinVar:

ClinVar aggregate classification (germline): Uncertain significance (1 of 4 stars; one submission).

Conditions:
GNAS-related disorder. Identifiers: MedGen CN380105.

gnomAD v4.1: 40 of 1,593,194 alleles (0.0025%); highest among the groups gnomAD compares: Non-Finnish European, 0.0033%; no homozygotes.

Submission:

PreventionGenetics, part of Exact Sciences
Classification: Uncertain significance for GNAS-related condition. Last evaluated: 2026-08-10. Review status: criteria provided, single submitter. Criteria: ACMG Guidelines, 2015. Collection method: clinical testing. Allele origin: germline.
Comment: The GNAS c.878G>A variant is predicted to result in the amino acid substitution p.Arg293Lys. This variant is referred to as c.-37397G>A (Pre-Coding) in an alternate transcript (NM_000516). To our knowledge, this variant has not been reported in the literature. This variant is reported in 0.0011% of alleles in individuals of European (Non-Finnish) descent in gnomAD. At this time, the clinical significance of this variant is uncertain due to the absence of conclusive functional and genetic evidence.

NM_080425.4(GNAS):c.1065G>A (p.Glu355=)

Gene: GNAS (GNAS complex locus; plus strand). Cytogenetic location: 20q13.32.
Variant type: single nucleotide variant.
Coding change: c.1065G>A on transcript NM_080425.4 (MANE Plus Clinical); coding-DNA position 1065, G replaced by A.
Protein change: p.Glu355=; no amino-acid change (glutamic acid 355 retained).
Molecular consequence: synonymous variant. On other transcripts: missense variant (2), intron variant (3).
Genome position (GRCh38, 1-based): chr20:58,854,330, G>A. VCF-style: chr20-58854330-G-A. GRCh37 (hg19) VCF-style: chr20-57429385-G-A.
Other names: c.878G>A, p.Arg293Lys (NM_001077490.3, NM_001309883.1); c.1065G>A, p.Glu355= (NM_001410913.1); c.*42+13444G>A (NM_016592.5); c.43+13444G>A (NM_001410912.1); c.-39+12455G>A (NM_001309861.2); short protein forms R293K.
Identifiers: ClinVar variation 4984251 (VCV004984251.1).